The following is an entry in ClinVar:

ClinVar aggregate classification (germline): Uncertain significance (1 of 4 stars; one submission).

Conditions:
Emery-Dreifuss muscular dystrophy 5, autosomal dominant (EDMD5). Also called: EMERY-DREIFUSS MUSCULAR DYSTROPHY 5. Identifiers: Orphanet 261, MedGen C2751805, MONDO:0013072, OMIM 612999.

Submission:

Labcorp Genetics (formerly Invitae), Labcorp
Classification: Uncertain significance for Emery-Dreifuss muscular dystrophy 5, autosomal dominant. Last evaluated: 2023-03-01. Review status: criteria provided, single submitter. Criteria: Invitae Variant Classification Sherloc (09022015). Collection method: clinical testing. Allele origin: germline.
Comment: In summary, the available evidence is currently insufficient to determine the role of this variant in disease. Therefore, it has been classified as a Variant of Uncertain Significance. An algorithm developed to predict the effect of missense changes on protein structure and function (PolyPhen-2) suggests that this variant is likely to be tolerated. This variant has not been reported in the literature in individuals affected with SYNE2-related conditions. This variant is not present in population databases (gnomAD no frequency). This sequence change replaces glutamic acid, which is acidic and polar, with aspartic acid, which is acidic and polar, at codon 2108 of the SYNE2 protein (p.Glu2108Asp).

NM_182914.3(SYNE2):c.6324G>C (p.Glu2108Asp)

Gene: SYNE2 (spectrin repeat containing nuclear envelope protein 2; plus strand). Cytogenetic location: 14q23.2.
Variant type: single nucleotide variant.
Coding change: c.6324G>C on transcript NM_182914.3 (MANE Select); coding-DNA position 6324, G replaced by C.
Protein change: p.Glu2108Asp; replaces glutamic acid 2108 with aspartic acid.
Molecular consequence: missense variant.
Genome position (GRCh38, 1-based): chr14:64,026,650, G>C. VCF-style: chr14-64026650-G-C. GRCh37 (hg19) VCF-style: chr14-64493368-G-C.
Other names: c.6324G>C, p.Glu2108Asp (NM_015180.6); short protein forms E2108D.
Identifiers: ClinVar variation 2781345 (VCV002781345.3), dbSNP rs2551157766, ClinGen allele CA389947532.
Genomic context (GRCh38, chr14:64,026,650, plus strand): 5'-GCTGAAGCCTGAAGGGGATGCCAGAATAGAGACCATCATGAAGCAGGCTGAGAGCAGCGA[G>C]GCCCCGCTGGTTCAGAAGACCCTCACTGACATCAGCAACCAGTGGGACAACACACTCCAT-3'
Protein context (NP_878918.2, residues 2098-2118): ETIMKQAESS[Glu2108Asp]APLVQKTLTD